The following is an entry in ClinVar:

NM_016734.3(PAX5):c.830T>C (p.Met277Thr)

Gene: PAX5 (paired box 5; minus strand). Cytogenetic location: 9p13.2.
Variant type: single nucleotide variant.
Coding change: c.830T>C on transcript NM_016734.3 (MANE Select); coding-DNA position 830, T replaced by C.
Protein change: p.Met277Thr; replaces methionine 277 with threonine.
Molecular consequence: missense variant. On other transcripts: intron variant (2).
Genome position (GRCh38, 1-based): chr9:36,923,435, A>G on the plus strand (T>C on the coding strand, the complement: PAX5 is on the minus strand). VCF-style: chr9-36923435-A-G. GRCh37 (hg19) VCF-style: chr9-36923432-A-G.
Other names: c.830T>C, p.Met277Thr (NM_001280547.2, NM_001280548.2, NM_001280552.2); c.506T>C, p.Met169Thr (NM_001280551.2, NM_001280556.2); c.701T>C, p.Met234Thr (NM_001280553.2, NM_001280554.2); c.632T>C, p.Met211Thr (NM_001280555.2); c.780+43114T>C (NM_001280550.2, NM_001280549.2); short protein forms M211T, M234T, M277T, M169T.
Identifiers: ClinVar variation 3885950 (VCV003885950.1).

ClinVar aggregate classification (germline): Uncertain significance (1 of 4 stars; one submission).

Conditions:
Inborn genetic diseases. Identifiers: MedGen C0950123, MeSH D030342.

gnomAD v4.1: 2 of 1,612,814 alleles (0.00012%); highest among the groups gnomAD compares: East Asian, 0.0022%; no homozygotes.

Submission:

Ambry Genetics
Classification: Uncertain significance for Inborn genetic diseases. Last evaluated: 2025-02-08. Review status: criteria provided, single submitter. Criteria: Ambry Variant Classification Scheme 2023. Collection method: clinical testing. Allele origin: germline.
Comment: The p.M277T variant (also known as c.830T>C), located in coding exon 7 of the PAX5 gene, results from a T to C substitution at nucleotide position 830. The methionine at codon 277 is replaced by threonine, an amino acid with similar properties. This amino acid position is conserved. In addition, this alteration is predicted to be deleterious by in silico analysis. Based on the available evidence, the clinical significance of this variant remains unclear.